The following is an entry in ClinVar:

ClinVar aggregate classification (germline): Pathogenic/Likely pathogenic. Review status: criteria provided, multiple submitters, no conflicts (2 of 4 stars). 2 submissions from 2 submitters: Pathogenic (1); Likely pathogenic (1). Last evaluated 2025-04-04.

Allele frequency attached by ClinVar (database versions not stated): gnomAD exomes below 0.00001.

Submissions (2):

GeneDx
Classification: Pathogenic. Last evaluated: 2025-04-04. Review status: criteria provided, single submitter. Criteria: GeneDx Variant Classification Process June 2021. Collection method: clinical testing. Allele origin: germline. Affected: yes.
Comment: Published functional studies demonstrate p.(R127*) results in a loss of transcript (PMID: 28008748); Identified in a patient with amyotrophic lateral sclerosis (PMID: 28008748); Nonsense variant predicted to result in protein truncation or nonsense mediated decay in a gene for which loss of function is a known mechanism of disease; Not observed at significant frequency in large population cohorts (gnomAD); This variant is associated with the following publications: (PMID: 30739198, 29859640, 28008748)

CeGaT Center for Human Genetics Tuebingen
Classification: Likely pathogenic. Last evaluated: 2017-01-01. Review status: criteria provided, single submitter. Criteria: CeGaT Center For Human Genetics Tuebingen Variant Classification Criteria Version 2. Collection method: clinical testing. Allele origin: germline. Affected: yes. Observed: 1 variant allele.

NM_013254.4(TBK1):c.379C>T (p.Arg127Ter)

Gene: TBK1 (TANK binding kinase 1; plus strand). Cytogenetic location: 12q14.2.
Variant type: single nucleotide variant.
Coding change: c.379C>T on transcript NM_013254.4 (MANE Select); coding-DNA position 379, C replaced by T.
Protein change: p.Arg127Ter; replaces arginine 127 with a stop codon.
Molecular consequence: nonsense.
Genome position (GRCh38, 1-based): chr12:64,466,921, C>T. VCF-style: chr12-64466921-C-T. GRCh37 (hg19) VCF-style: chr12-64860701-C-T.
Other names: c.379C>T, p.Arg127Ter (LRG_1306t1); c.379C>T (NM_013254.3); short protein forms R127*.
Identifiers: ClinVar variation 425011 (VCV000425011.44), dbSNP rs1064797170, ClinGen allele CA16621639.